The following is an entry in ClinVar:

ClinVar aggregate classification (germline): Conflicting classifications of pathogenicity. Review status: criteria provided, conflicting classifications (1 of 4 stars). 4 submissions from 4 submitters: Uncertain significance (3); Likely benign (1). Last evaluated 2026-05-04.

Conditions:
Inborn genetic diseases. Identifiers: MedGen C0950123, MeSH D030342.
Spastic paraplegia. Identifiers: MedGen C0037772, HP:0001258.

Allele frequency attached by ClinVar (database versions not stated): ExAC 0.00001; gnomAD 0.00001; TOPMed 0.00001; gnomAD exomes 0.00002; 1000 Genomes Project 0.00020; 1000 Genomes Project 30x 0.00031.
gnomAD v4.1: 10 of 1,613,946 alleles (0.00062%); highest among the groups gnomAD compares: Admixed American, 0.017%; no homozygotes.

Submissions (4):

GeneDx
Classification: Uncertain significance. Last evaluated: 2026-05-04. Review status: criteria provided, single submitter. Criteria: GeneDx Variant Classification Process June 2021. Collection method: clinical testing. Allele origin: germline.
Comment: Not observed at significant frequency in large population cohorts (gnomAD); In silico analysis suggests that this missense variant does not alter protein structure/function; Has not been previously published as pathogenic or benign to our knowledge

CeGaT Center for Human Genetics Tuebingen
Classification: Uncertain significance. Last evaluated: 2026-05-01. Review status: criteria provided, single submitter. Criteria: CeGaT Center For Human Genetics Tuebingen Variant Classification Criteria Version 2. Collection method: clinical testing. Allele origin: germline. Affected: yes. Observed: 1 variant allele.
Comment: SACS: PM2

Ambry Genetics
Classification: Uncertain significance for Inborn genetic diseases. Last evaluated: 2024-12-07. Review status: criteria provided, single submitter. Criteria: Ambry Variant Classification Scheme 2023. Collection method: clinical testing. Allele origin: germline.

Labcorp Genetics (formerly Invitae), Labcorp
Classification: Likely benign for Spastic paraplegia. Last evaluated: 2024-02-01. Review status: criteria provided, single submitter. Criteria: Invitae Variant Classification Sherloc (09022015). Collection method: clinical testing. Allele origin: germline.

NM_014363.6(SACS):c.10991T>C (p.Ile3664Thr)

Gene: SACS (sacsin molecular chaperone; minus strand). Cytogenetic location: 13q12.12.
Variant type: single nucleotide variant.
Coding change: c.10991T>C on transcript NM_014363.6 (MANE Select); coding-DNA position 10991, T replaced by C.
Protein change: p.Ile3664Thr; replaces isoleucine 3664 with threonine.
Molecular consequence: missense variant.
Genome position (GRCh38, 1-based): chr13:23,332,885, A>G on the plus strand (T>C on the coding strand, the complement: SACS is on the minus strand). VCF-style: chr13-23332885-A-G. GRCh37 (hg19) VCF-style: chr13-23907024-A-G.
Other names: c.10991T>C (NM_014363.4); c.10550T>C, p.Ile3517Thr (NM_001278055.2); short protein forms I3664T, I3517T.
Identifiers: ClinVar variation 2143802 (VCV002143802.9), dbSNP rs140180561, ClinGen allele CA6910355.
Genomic context (GRCh38, chr13:23,332,885, plus strand): 5'-CCATTGAACTTTATAAGAGGAAGTGTTCCATTTACCTCTTGATATTGAGGATGAAATCTA[A>G]TGAATTCCGCGGGGGCCCGCTCAGGACATAAGAATGGTATTAAAGATAGTTCTTTCAGAA-3'
Protein context (NP_055178.3, residues 3654-3674): LCPERAPAEF[Ile3664Thr]RFHPQYQEVN